The following is an entry in ClinVar:

NM_198253.3(TERT):c.880C>T (p.His294Tyr)

Gene: TERT (telomerase reverse transcriptase; minus strand). Cytogenetic location: 5p15.33.
Variant type: single nucleotide variant.
Coding change: c.880C>T on transcript NM_198253.3 (MANE Select); coding-DNA position 880, C replaced by T.
Protein change: p.His294Tyr; replaces histidine 294 with tyrosine.
Molecular consequence: missense variant. On other transcripts: non-coding transcript variant (2).
Genome position (GRCh38, 1-based): chr5:1,294,006, G>A on the plus strand (C>T on the coding strand, the complement: TERT is on the minus strand). VCF-style: chr5-1294006-G-A. GRCh37 (hg19) VCF-style: chr5-1294121-G-A.
Other names: c.880C>T, p.His294Tyr (NM_001193376.3); short protein forms H294Y.
Identifiers: ClinVar variation 350802 (VCV000350802.13), dbSNP rs886059906, ClinGen allele CA10622502.

ClinVar aggregate classification (germline): Uncertain significance. Review status: criteria provided, multiple submitters, no conflicts (2 of 4 stars). 5 submissions from 3 submitters: Uncertain significance (5). Last evaluated 2025-08-11.

Conditions:
Dyskeratosis congenita. Identifiers: Orphanet 1775, MedGen C0265965, MONDO:0015780.
Aplastic anemia. Identifiers: Orphanet 182040, Orphanet 88, MedGen C0002874, MONDO:0015909, OMIM 609135, HP:0001915.
Dyskeratosis congenita, autosomal dominant 2. Identifiers: MedGen C3151443, MONDO:0013521, OMIM 613989.
Pulmonary fibrosis and/or bone marrow failure, Telomere-related, 1. Also called: PULMONARY FIBROSIS AND/OR BONE MARROW FAILURE SYNDROME, TELOMERE-RELATED, 1. Identifiers: Orphanet 88, MedGen C3553617, MONDO:0013878, OMIM 614742.
Idiopathic Pulmonary Fibrosis. Also called: Idiopathic fibrosing alveolitis, chronic form; idiopathic fibrosing alveolitis. Identifiers: Orphanet 2032, MedGen C1800706, MeSH D054990, MONDO:0800504.

Allele frequency attached by ClinVar (database versions not stated): gnomAD 0.00001; gnomAD exomes 0.00001.
gnomAD v4.1: 22 of 1,581,518 alleles (0.0014%); highest among the groups gnomAD compares: Non-Finnish European, 0.0016%; no homozygotes.

Submissions (5):

Labcorp Genetics (formerly Invitae), Labcorp
Classification: Uncertain significance for Dyskeratosis congenita, autosomal dominant 2; Idiopathic Pulmonary Fibrosis. Last evaluated: 2025-08-11. Review status: criteria provided, single submitter. Criteria: Invitae Variant Classification Sherloc (09022015). Collection method: clinical testing. Allele origin: germline.
Comment: This sequence change replaces histidine, which is basic and polar, with tyrosine, which is neutral and polar, at codon 294 of the TERT protein (p.His294Tyr). This variant is present in population databases (no rsID available, gnomAD 0.002%). This variant has not been reported in the literature in individuals affected with TERT-related conditions. ClinVar contains an entry for this variant (Variation ID: 350802). Invitae Evidence Modeling of protein sequence and biophysical properties (such as structural, functional, and spatial information, amino acid conservation, physicochemical variation, residue mobility, and thermodynamic stability) indicates that this missense variant is not expected to disrupt TERT protein function with a negative predictive value of 95%. In summary, the available evidence is currently insufficient to determine the role of this variant in disease. Therefore, it has been classified as a Variant of Uncertain Significance.

Ambry Genetics
Classification: Uncertain significance for Dyskeratosis congenita. Last evaluated: 2025-01-30. Review status: criteria provided, single submitter. Criteria: Ambry Variant Classification Scheme 2023. Collection method: clinical testing. Allele origin: germline.
Comment: The p.H294Y variant (also known as c.880C>T), located in coding exon 2 of the TERT gene, results from a C to T substitution at nucleotide position 880. The histidine at codon 294 is replaced by tyrosine, an amino acid with similar properties. This amino acid position is poorly conserved in available vertebrate species. In addition, this alteration is predicted to be tolerated by in silico analysis. Based on the available evidence, the clinical significance of this variant remains unclear.

Illumina Laboratory Services, Illumina
Classification: Uncertain significance for Aplastic anemia. Last evaluated: 2018-01-13. Review status: criteria provided, single submitter. Criteria: ICSL Variant Classification Criteria 13 December 2019. Collection method: clinical testing. Allele origin: germline.

Illumina Laboratory Services, Illumina
Classification: Uncertain significance for Pulmonary fibrosis and/or bone marrow failure, Telomere-related, 1. Last evaluated: 2018-01-13. Review status: criteria provided, single submitter. Criteria: ICSL Variant Classification Criteria 13 December 2019. Collection method: clinical testing. Allele origin: germline.

Illumina Laboratory Services, Illumina
Classification: Uncertain significance for Dyskeratosis congenita, autosomal dominant 2. Last evaluated: 2018-01-13. Review status: criteria provided, single submitter. Criteria: ICSL Variant Classification Criteria 13 December 2019. Collection method: clinical testing. Allele origin: germline.